The following is an entry in ClinVar:

NM_001042681.2(RERE):c.216G>A (p.Thr72=)

Gene: RERE (arginine-glutamic acid dipeptide repeats; minus strand). Cytogenetic location: 1p36.23.
Variant type: single nucleotide variant.
Coding change: c.216G>A on transcript NM_001042681.2 (MANE Select); coding-DNA position 216, G replaced by A.
Protein change: p.Thr72=; no amino-acid change (threonine 72 retained).
Molecular consequence: synonymous variant.
Genome position (GRCh38, 1-based): chr1:8,656,082, C>T on the plus strand (G>A on the coding strand, the complement: RERE is on the minus strand). VCF-style: chr1-8656082-C-T. GRCh37 (hg19) VCF-style: chr1-8716141-C-T.
Other names: c.216G>A, p.Thr72= (NM_012102.4).
Identifiers: ClinVar variation 725532 (VCV000725532.34), dbSNP rs145173617, ClinGen allele CA572143.

ClinVar aggregate classification (germline): Benign/Likely benign. Review status: criteria provided, multiple submitters, no conflicts (2 of 4 stars). 3 submissions from 3 submitters: Benign (1); Likely benign (2). Last evaluated 2026-08-01.

Allele frequency attached by ClinVar (database versions not stated): gnomAD 0.00028 and 0.00030; TOPMed 0.00028; gnomAD exomes 0.00051 and 0.00053; ESP Exome Variant Server 0.00054; ExAC 0.00058.
gnomAD v4.1: 820 of 1,614,004 alleles (0.051%); highest among the groups gnomAD compares: South Asian, 0.12%; 1 homozygote.

Submissions (3):

CeGaT Center for Human Genetics Tuebingen
Classification: Likely benign. Last evaluated: 2026-08-01. Review status: criteria provided, single submitter. Criteria: CeGaT Center For Human Genetics Tuebingen Variant Classification Criteria Version 2. Collection method: clinical testing. Allele origin: germline. Affected: yes. Observed: 3 variant alleles.
Comment: RERE: BP4, BP7, BS1

Labcorp Genetics (formerly Invitae), Labcorp
Classification: Benign. Last evaluated: 2025-09-29. Review status: criteria provided, single submitter. Criteria: Invitae Variant Classification Sherloc (09022015). Collection method: clinical testing. Allele origin: germline.

Blueprint Genetics
Classification: Likely benign. Last evaluated: 2024-10-08. Review status: criteria provided, single submitter. Criteria: ACMG Guidelines, 2015. Collection method: clinical testing. Allele origin: germline.